The following is an entry in ClinVar:

NC_000016.9:g.(?_56226148)_(56310004_?)dup

Gene: GNAO1 (G protein subunit alpha o1; plus strand). Cytogenetic location: 16q12.2.
Variant type: Duplication.
Identifiers: ClinVar variation 1401578 (VCV001401578.5).

ClinVar aggregate classification (germline): Uncertain significance (1 of 4 stars; one submission).

Conditions:
Developmental and epileptic encephalopathy. Identifiers: MedGen C5779964, MONDO:0100620.

Submission:

Labcorp Genetics (formerly Invitae), Labcorp
Classification: Uncertain significance for Early-infantile DEE. Last evaluated: 2021-06-06. Review status: criteria provided, single submitter. Criteria: Invitae Variant Classification Sherloc (09022015). Collection method: clinical testing. Allele origin: germline.
Comment: In summary, the available evidence is currently insufficient to determine the role of this variant in disease. Therefore, it has been classified as a Variant of Uncertain Significance. This variant has not been reported in the literature in individuals with GNAO1-related conditions. This variant results in a copy number gain of the genomic region encompassing exon(s) 1-3 of the GNAO1 gene. This region includes the initiator codon of the gene. The 5' end of this event is unknown as it extends beyond the assayed region for this gene and therefore may encompass additional genes. The 3' boundary is likely confined to intron 3 of the GNAO1 gene. As the precise location of this event is unknown, it may be in tandem or it may be located elsewhere in the genome.